The following is an entry in ClinVar:

NM_016216.4(DBR1):c.1337G>T (p.Gly446Val)

Gene: DBR1 (debranching RNA lariats 1; minus strand). Cytogenetic location: 3q22.3.
Variant type: single nucleotide variant.
Coding change: c.1337G>T on transcript NM_016216.4 (MANE Select); coding-DNA position 1337, G replaced by T.
Protein change: p.Gly446Val; replaces glycine 446 with valine.
Molecular consequence: missense variant.
Genome position (GRCh38, 1-based): chr3:138,162,187, C>A on the plus strand (G>T on the coding strand, the complement: DBR1 is on the minus strand). VCF-style: chr3-138162187-C-A. GRCh37 (hg19) VCF-style: chr3-137881029-C-A.
Other names: short protein forms G446V.
Identifiers: ClinVar variation 2122844 (VCV002122844.4), dbSNP rs34889464, ClinGen allele CA2635680.
Genomic context (GRCh38, chr3:138,162,187, plus strand): 5'-GAGAAACTTGCAGAAAACTCAGAAGCTTGATCAGAAGGTTCTACCGATGGTGTATTCATG[C>A]CACTATGTGCACTTACAATACTATCTTCATCTTCTTCTTCATCTAACATTATTTCATCTG-3'
Protein context (NP_057300.2, residues 436-456): DEDSIVSAHS[Gly446Val]MNTPSVEPSD

ClinVar aggregate classification (germline): Uncertain significance (1 of 4 stars; one submission).

gnomAD v4.1: 2 of 1,614,138 alleles (0.00012%); highest among the groups gnomAD compares: South Asian, 0.0022%; no homozygotes.

Submission:

Labcorp Genetics (formerly Invitae), Labcorp
Classification: Uncertain significance. Last evaluated: 2022-05-05. Review status: criteria provided, single submitter. Criteria: Invitae Variant Classification Sherloc (09022015). Collection method: clinical testing. Allele origin: germline.
Comment: This variant has not been reported in the literature in individuals affected with DBR1-related conditions. This variant is present in population databases (rs34889464, gnomAD 0.003%). This sequence change replaces glycine, which is neutral and non-polar, with valine, which is neutral and non-polar, at codon 446 of the DBR1 protein (p.Gly446Val). In summary, the available evidence is currently insufficient to determine the role of this variant in disease. Therefore, it has been classified as a Variant of Uncertain Significance. Algorithms developed to predict the effect of missense changes on protein structure and function (SIFT, PolyPhen-2, Align-GVGD) all suggest that this variant is likely to be tolerated.